The following is an entry in ClinVar:

ClinVar aggregate classification (germline): Benign/Likely benign. Review status: criteria provided, multiple submitters, no conflicts (2 of 4 stars). 4 submissions from 4 submitters: Benign (3); Likely benign (1). Last evaluated 2024-11-26.

Conditions:
Platelet-type bleeding disorder 9 (BDPLT9). Also called: GLYCOPROTEIN Ia DEFICIENCY; GP Ia DEFICIENCY; COLLAGEN PLATELET RECEPTOR DEFICIENCY. Identifiers: Orphanet 73271, Orphanet 98886, MedGen C3280114, MONDO:0013622, OMIM 614200.

Allele frequency attached by ClinVar (database versions not stated): 1000 Genomes Project 30x 0.33557; 1000 Genomes Project 0.33766; gnomAD 0.36470 and 0.36485; ESP Exome Variant Server 0.36575; TOPMed 0.36630; ExAC 0.38223; gnomAD exomes 0.38593 and 0.39437.
gnomAD v4.1: 630,746 of 1,611,596 alleles (39%); highest among the groups gnomAD compares: Admixed American, 45%; 124,953 homozygotes.

Submissions (4):

Blueprint Genetics
Classification: Likely benign. Last evaluated: 2024-11-26. Review status: criteria provided, single submitter. Criteria: ACMG Guidelines, 2015. Collection method: clinical testing. Allele origin: germline.

GeneDx
Classification: Benign. Last evaluated: 2018-11-12. Review status: criteria provided, single submitter. Criteria: GeneDx Variant Classification Process June 2021. Collection method: clinical testing. Allele origin: germline. Affected: yes.
Comment: This variant is associated with the following publications: (PMID: 9950439, 22133274, 21672359, 18836731, 14687991, 16513317, 19388931)

Illumina Laboratory Services, Illumina
Classification: Benign for Platelet-type bleeding disorder 9. Last evaluated: 2018-03-06. Review status: criteria provided, single submitter. Criteria: ICSL Variant Classification Criteria 13 December 2019. Collection method: clinical testing. Allele origin: germline.
Comment: This variant was observed in the ICSL laboratory as part of a predisposition screen in an ostensibly healthy population. It had not been previously curated by ICSL or reported in the Human Gene Mutation Database (HGMD: prior to June 1st, 2018), and was therefore a candidate for classification through an automated scoring system. Utilizing variant allele frequency, disease prevalence and penetrance estimates, and inheritance mode, an automated score was calculated to assess if this variant is too frequent to cause the disease. Based on the score and internal cut-off values, a variant classified as benign is not then subjected to further curation. The score for this variant resulted in a classification of benign for this disease.

Breakthrough Genomics
Classification: Benign. Review status: criteria provided, single submitter. Criteria: ACMG Guidelines, 2015. Collection method: not provided. Allele origin: germline. Inheritance: Unknown mechanism. Affected: yes.

NM_002203.4(ITGA2):c.759C>T (p.Phe253=)

Gene: ITGA2 (integrin subunit alpha 2; plus strand). Cytogenetic location: 5q11.2.
Variant type: single nucleotide variant.
Coding change: c.759C>T on transcript NM_002203.4 (MANE Select); coding-DNA position 759, C replaced by T.
Protein change: p.Phe253=; no amino-acid change (phenylalanine 253 retained).
Molecular consequence: synonymous variant. On other transcripts: non-coding transcript variant (5).
Genome position (GRCh38, 1-based): chr5:53,051,539, C>T. VCF-style: chr5-53051539-C-T. GRCh37 (hg19) VCF-style: chr5-52347369-C-T.
Identifiers: ClinVar variation 353741 (VCV000353741.8), dbSNP rs1126643, ClinGen allele CA3262698.
Genomic context (GRCh38, chr5:53,051,539, plus strand): 5'-AGAAATGATTGTAGCAACATCCCAGACATCCCAATATGGTGGGGACCTCACAAACACATT[C>T]GGAGCAATTCAATATGCAAGGTAAGTTTTGGTGCTAATAGGCCAATGTTTTCATAATGTA-3'
Protein context (NP_002194.2, residues 243-263): SQYGGDLTNT[Phe253=]GAIQYARKYA